The following is an entry in ClinVar:

ClinVar aggregate classification (germline): Pathogenic/Likely pathogenic. Review status: criteria provided, multiple submitters, no conflicts (2 of 4 stars). 4 submissions from 4 submitters: Pathogenic (1); Likely pathogenic (3). Last evaluated 2026-05-04.

Conditions:
HSD17B4-related disorder. Also called: HSD17B4-related disorders; HSD17B4-related condition.
Perrault syndrome. Also called: Gonadal dysgenesis with auditory dysfunction, autosomal recessive inheritance. Identifiers: Orphanet 2855, MedGen C0685838, MONDO:0017312.
Bifunctional peroxisomal enzyme deficiency (DBIF). Also called: DBP DEFICIENCY; PBFE DEFICIENCY; D-bifunctional protein deficiency. Identifiers: Orphanet 300, MedGen C0342870, MONDO:0009855, OMIM 261515. Disease mechanism: loss of function.

Allele frequency attached by ClinVar (database versions not stated): gnomAD exomes below 0.00001; ExAC 0.00001; gnomAD 0.00001; TOPMed 0.00001; ESP Exome Variant Server 0.00008.
gnomAD v4.1: 4 of 1,613,276 alleles (0.00025%); highest among the groups gnomAD compares: Non-Finnish European, 0.00034%; no homozygotes.

Submissions (4):

PreventionGenetics, part of Exact Sciences
Classification: Likely pathogenic for HSD17B4-related condition. Last evaluated: 2026-05-04. Review status: criteria provided, single submitter. Criteria: ACMG Guidelines, 2015. Collection method: clinical testing. Allele origin: germline.
Comment: The HSD17B4 c.819G>T variant is predicted to result in the amino acid substitution p.Trp273Cys. This variant was reported in the compound heterozygous state in two siblings with mild D-bifunctional protein deficiency and the homozygous state in two presumably unrelated more severely affected individuals (Ferdinandusse et al. 2006. PubMed ID: 16385454). This variant is reported in 0.00088% of alleles in individuals of European (Non-Finnish) descent in gnomAD. This variant is interpreted as likely pathogenic.

Labcorp Genetics (formerly Invitae), Labcorp
Classification: Pathogenic for Perrault syndrome; Bifunctional peroxisomal enzyme deficiency. Last evaluated: 2025-12-29. Review status: criteria provided, single submitter. Criteria: Invitae Variant Classification Sherloc (09022015). Collection method: clinical testing. Allele origin: germline.
Comment: This sequence change replaces tryptophan, which is neutral and slightly polar, with cysteine, which is neutral and slightly polar, at codon 273 of the HSD17B4 protein (p.Trp273Cys). This variant is present in population databases (rs368744809, gnomAD 0.0009%). This missense change has been observed in individuals with D-bifunctional protein deficiency (PMID: 16385454). ClinVar contains an entry for this variant (Variation ID: 242582). Invitae Evidence Modeling of protein sequence and biophysical properties (such as structural, functional, and spatial information, amino acid conservation, physicochemical variation, residue mobility, and thermodynamic stability) indicates that this missense variant is expected to disrupt HSD17B4 protein function with a positive predictive value of 95%. For these reasons, this variant has been classified as Pathogenic.

Natera, Inc.
Classification: Likely pathogenic for Bifunctional peroxisomal enzyme deficiency. Last evaluated: 2025-11-14. Review status: criteria provided, single submitter. Criteria: Natera Variant Classification Schema (03/2026). Collection method: clinical testing. Allele origin: germline.
Comment: The c.819G>T variant in HSD17B4 is a missense variant predicted to cause substitution of tryptophan to cysteine at amino acid 273. This variant is rare in the general population with a frequency below the threshold expected for the associated phenotype(s). This variant has been observed in one or more individuals affected with the associated recessive disease, as either homozygous or compound heterozygous with a second variant (PMID: 16385454). Additionally, this variant has been observed to segregate in affected family members (PMID: 16385454). Computational prediction algorithms indicate this variant is likely to affect gene or protein function. Given the available evidence, this variant is classified as Likely Pathogenic.

Baylor Genetics
Classification: Likely pathogenic for Bifunctional peroxisomal enzyme deficiency. Last evaluated: 2024-03-09. Review status: criteria provided, single submitter. Criteria: ACMG Guidelines, 2015. Collection method: clinical testing. Allele origin: unknown.

Literature cited by the submitters: PubMed 16385454 (cited by Labcorp Genetics (formerly Invitae), Labcorp and Natera, Inc.).

NC_000005.9:g.118829592G>T

Gene: HSD17B4 (hydroxysteroid 17-beta dehydrogenase 4; plus strand). Cytogenetic location: 5q23.1.
Variant type: single nucleotide variant.
Molecular consequence: missense variant (on NM_000414.4).
Genome position: GRCh38 VCF-style: chr5-119493897-G-T. GRCh37 (hg19) VCF-style: chr5-118829592-G-T.
Other names: c.819G>T, p.Trp273Cys (NM_000414.4); c.894G>T, p.Trp298Cys (NM_001199291.3); c.765G>T, p.Trp255Cys (NM_001199292.2); c.747G>T, p.Trp249Cys (NM_001292027.2); c.399G>T, p.Trp133Cys (NM_001292028.2); c.819G>T (NM_000414.3); short protein forms W273C, W249C, W255C, W133C, W298C.
Identifiers: ClinVar variation 242582 (VCV000242582.9), dbSNP rs368744809, ClinGen allele CA052835.